The following is an entry in ClinVar:

ClinVar aggregate classification (germline): Pathogenic (1 of 4 stars; one submission).

Conditions:
Christianson syndrome (MRXSCH). Also called: SLC9A6-Related Syndromic Mental Retardation; X-linked mental retardation, syndromic, Christianson type; INTELLECTUAL DEVELOPMENTAL DISORDER, X-LINKED, SYNDROMIC, CHRISTIANSON TYPE. Identifiers: Orphanet 85278, MedGen C2678194, MONDO:0010278, OMIM 300243.

Submission:

Labcorp Genetics (formerly Invitae), Labcorp
Classification: Pathogenic for Christianson syndrome. Last evaluated: 2025-09-08. Review status: criteria provided, single submitter. Criteria: Invitae Variant Classification Sherloc (09022015). Collection method: clinical testing. Allele origin: germline.
Comment: This sequence change creates a premature translational stop signal (p.Leu401Argfs*14) in the SLC9A6 gene. It is expected to result in an absent or disrupted protein product. Loss-of-function variants in SLC9A6 are known to be pathogenic (PMID: 18342287). This variant is not present in population databases (gnomAD no frequency). This variant has not been reported in the literature in individuals affected with SLC9A6-related conditions. For these reasons, this variant has been classified as Pathogenic.

Literature cited by the submitters: PubMed 18342287.

NM_001379110.1(SLC9A6):c.1142del (p.Leu381fs)

Gene: SLC9A6 (solute carrier family 9 member A6; plus strand). Cytogenetic location: Xq26.3.
Variant type: Deletion.
Coding change: c.1142del on transcript NM_001379110.1 (MANE Select); coding-DNA position 1142, one base deleted (T; older notation c.1142delT).
Protein change: p.Leu381fs; shifts the reading frame from leucine 381.
Molecular consequence: frameshift variant.
Genome position (GRCh38, 1-based): chrX:136,016,706, T deleted. VCF-style (leftmost placement, unchanged base first): chrX-136016705-CT-C. GRCh37 (hg19) VCF-style: chrX-135098864-CT-C.
Other names: c.1298del, p.Leu433fs (NM_001042537.2, NM_001438742.1); c.1142del, p.Leu381fs (NM_001177651.2, NM_001400909.1, NM_001400910.1 and 2 more transcripts); c.1046del, p.Leu349fs (NM_001330652.2, NM_001400913.1); c.1202del, p.Leu401fs (NM_006359.3); short protein forms L381fs, L349fs, L401fs, L433fs.
Identifiers: ClinVar variation 4723065 (VCV004723065.1).